The following is an entry in ClinVar:

NM_001371928.1(AHDC1):c.3130G>T (p.Ala1044Ser)

Gene: AHDC1 (AT-hook DNA binding motif containing 1; minus strand). Cytogenetic location: 1p36.11.
Variant type: single nucleotide variant.
Coding change: c.3130G>T on transcript NM_001371928.1 (MANE Select); coding-DNA position 3130, G replaced by T.
Protein change: p.Ala1044Ser; replaces alanine 1044 with serine.
Molecular consequence: missense variant.
Genome position (GRCh38, 1-based): chr1:27,548,986, C>A on the plus strand (G>T on the coding strand, the complement: AHDC1 is on the minus strand). VCF-style: chr1-27548986-C-A. GRCh37 (hg19) VCF-style: chr1-27875497-C-A.
Other names: c.3130G>T, p.Ala1044Ser (NM_001029882.3); short protein forms A1044S.
Identifiers: ClinVar variation 2823940 (VCV002823940.3), dbSNP rs2019354680, ClinGen allele CA339228183.

ClinVar aggregate classification (germline): Uncertain significance (1 of 4 stars; one submission).

Submission:

Labcorp Genetics (formerly Invitae), Labcorp
Classification: Uncertain significance. Last evaluated: 2023-02-01. Review status: criteria provided, single submitter. Criteria: Invitae Variant Classification Sherloc (09022015). Collection method: clinical testing. Allele origin: germline.
Comment: This variant has not been reported in the literature in individuals affected with AHDC1-related conditions. Algorithms developed to predict the effect of missense changes on protein structure and function are either unavailable or do not agree on the potential impact of this missense change (SIFT: "Tolerated"; PolyPhen-2: "Possibly Damaging"; Align-GVGD: "Class C0"). In summary, the available evidence is currently insufficient to determine the role of this variant in disease. Therefore, it has been classified as a Variant of Uncertain Significance. This sequence change replaces alanine, which is neutral and non-polar, with serine, which is neutral and polar, at codon 1044 of the AHDC1 protein (p.Ala1044Ser). This variant is not present in population databases (gnomAD no frequency).